The following is an entry in ClinVar:

ClinVar aggregate classification (germline): Uncertain significance (1 of 4 stars; one submission).

Conditions:
Hereditary cancer-predisposing syndrome. Also called: Tumor predisposition; Neoplastic Syndromes, Hereditary; Hereditary Cancer Syndrome; Hereditary neoplastic syndrome. Identifiers: Orphanet 140162, MedGen C0027672, MeSH D009386, MONDO:0015356.

gnomAD v4.1: 2 of 1,614,062 alleles (0.00012%); highest among the groups gnomAD compares: Non-Finnish European, 0.00017%; no homozygotes.

Submission:

Ambry Genetics
Classification: Uncertain significance for Hereditary cancer-predisposing syndrome. Last evaluated: 2025-02-21. Review status: criteria provided, single submitter. Criteria: Ambry Variant Classification Scheme 2023. Collection method: clinical testing. Allele origin: germline.
Comment: The p.E311Q variant (also known as c.931G>C), located in coding exon 6 of the MSH3 gene, results from a G to C substitution at nucleotide position 931. The glutamic acid at codon 311 is replaced by glutamine, an amino acid with highly similar properties. This amino acid position is conserved. In addition, this alteration is predicted to be deleterious by in silico analysis. Based on the available evidence, the clinical significance of this variant remains unclear.

NM_002439.5(MSH3):c.931G>C (p.Glu311Gln)

Genes: MSH3 (mutS homolog 3; plus strand), LOC126807437 (MED14-independent group 3 enhancer GRCh37_chr5:79968379-79969578; plus strand). Cytogenetic location: 5q14.1.
Variant type: single nucleotide variant.
Coding change: c.931G>C on transcript NM_002439.5 (MANE Select); coding-DNA position 931, G replaced by C.
Protein change: p.Glu311Gln; replaces glutamic acid 311 with glutamine.
Molecular consequence: missense variant.
Genome position (GRCh38, 1-based): chr5:80,672,762, G>C. VCF-style: chr5-80672762-G-C. GRCh37 (hg19) VCF-style: chr5-79968581-G-C.
Other names: short protein forms E311Q.
Identifiers: ClinVar variation 3874997 (VCV003874997.1).